The following is an entry in ClinVar:

NM_002979.5(SCP2):c.1236-1G>T

Gene: SCP2 (sterol carrier protein 2; plus strand). Cytogenetic location: 1p32.3.
Variant type: single nucleotide variant.
Coding change: c.1236-1G>T on transcript NM_002979.5 (MANE Select); the canonical splice acceptor site of the intron before coding-DNA position 1236, G replaced by T.
Molecular consequence: splice acceptor variant. On other transcripts: intron variant (1).
Genome position (GRCh38, 1-based): chr1:53,027,968, G>T. VCF-style: chr1-53027968-G-T. GRCh37 (hg19) VCF-style: chr1-53493640-G-T.
Other names: c.1104-1G>T (NM_001193600.2); c.1164-1G>T (NM_001193599.2); c.993-1G>T (NM_001193617.2); c.24-1G>T (NM_001007099.3, NM_001007250.3); c.24-10G>T (NM_001007100.3).
Identifiers: ClinVar variation 2783349 (VCV002783349.3), dbSNP rs370191484, ClinGen allele CA340377365.

ClinVar aggregate classification (germline): Likely pathogenic (1 of 4 stars; one submission).

Submission:

Labcorp Genetics (formerly Invitae), Labcorp
Classification: Likely pathogenic. Last evaluated: 2023-05-09. Review status: criteria provided, single submitter. Criteria: Invitae Variant Classification Sherloc (09022015). Collection method: clinical testing. Allele origin: germline.
Comment: This sequence change affects an acceptor splice site in intron 12 of the SCP2 gene. It is expected to disrupt RNA splicing. Variants that disrupt the donor or acceptor splice site typically lead to a loss of protein function (PMID: 16199547), and loss-of-function variants in SCP2 are known to be pathogenic (PMID: 16685654, 26497993). This variant is not present in population databases (gnomAD no frequency). This variant has not been reported in the literature in individuals affected with SCP2-related conditions. Algorithms developed to predict the effect of sequence changes on RNA splicing suggest that this variant may disrupt the consensus splice site. In summary, the currently available evidence indicates that the variant is pathogenic, but additional data are needed to prove that conclusively. Therefore, this variant has been classified as Likely Pathogenic.

Literature cited by the submitters: PubMed 16199547; PubMed 16685654; PubMed 26497993.